The following is an entry in ClinVar:

ClinVar aggregate classification (germline): not provided (0 of 4 stars; one submission).

Conditions:
Normal pregnancy. Identifiers: MedGen C0232989.

Submission:

Institute of Molecular and Cell Biology, University of Tartu
No classification provided. Condition: Normal pregnancy. Review status: no classification provided. Collection method: case-control. Allele origin: unknown. Affected: yes. Study: Kasak2014.
Comment: The study aimed to determine the contribution of copy number variants in the genetic etiology of normal and complicated pregnancies. The samples represented (i) maternal blood DNA drawn from healthy pregnant women during 1st or 2nd trimester and (ii) maternal and paternal blood DNA drawn at term pregnancy cases representing normal and complicated gestations (severe preeclampsia, PE; gestational diabetes, GD; small-for-gestational age newborn, SGA; large-for-gestational age newborn, LGA). We performed CNV calling based on genome-wide genotyping dataset (Illumina HumanOmniExpress-24-v1 BeadChip) by applying three algorithms, QuantiSNP, GADA (Genome Alteration Detection Algorithm) and CNstream in parallel. The acquired CNV calls were merged with HD-CNV (Hotspot Detector for Copy Number Variants) program and only the CNVs predicted by at least two programs, were considered in subsequent analysis.

Literature cited by the submitters: PubMed 25666259.

Single allele

Genes: LRRC69 (leucine rich repeat containing 69; plus strand), LOC129390023 (MPRA-validated peak7106 silencer; plus strand). Cytogenetic location: 8q21.3.
Variant type: Deletion.
Identifiers: ClinVar variation 157122 (VCV000157122.2).